The following is an entry in ClinVar:

NM_000439.5(PCSK1):c.1801A>G (p.Met601Val)

Genes: PCSK1 (proprotein convertase subtilisin/kexin type 1; minus strand), CAST (calpastatin; plus strand), LOC101929710 (uncharacterized LOC101929710; plus strand). Cytogenetic location: 5q15.
Variant type: single nucleotide variant.
Coding change: c.1801A>G on transcript NM_000439.5 (MANE Select); coding-DNA position 1801, A replaced by G.
Protein change: p.Met601Val; replaces methionine 601 with valine.
Molecular consequence: missense variant. On other transcripts: intron variant (11).
Genome position (GRCh38, 1-based): chr5:96,394,947, T>C on the plus strand (A>G on the coding strand, the complement: PCSK1 is on the minus strand). VCF-style: chr5-96394947-T-C. GRCh37 (hg19) VCF-style: chr5-95730651-T-C.
Other names: c.1660A>G, p.Met554Val (NM_001177875.2); c.-175+15295T>C (NM_001423254.1, NM_001423259.1, NM_001423255.1 and 6 more transcripts); c.-103+15295T>C (NM_001423253.1); c.-40+15295T>C (NM_001423258.1); short protein forms M601V, M554V.
Identifiers: ClinVar variation 4995705 (VCV004995705.1).

ClinVar aggregate classification (germline): Uncertain significance (1 of 4 stars; one submission).

Conditions:
PCSK1-related disorder. Also called: PCSK1-related condition.

gnomAD v4.1: 1 of 1,614,114 alleles (0.000062%); no homozygotes.

Submission:

PreventionGenetics, part of Exact Sciences
Classification: Uncertain significance for PCSK1-related condition. Last evaluated: 2025-09-19. Review status: criteria provided, single submitter. Criteria: ACMG Guidelines, 2015. Collection method: clinical testing. Allele origin: germline.
Comment: The PCSK1 c.1801A>G variant is predicted to result in the amino acid substitution p.Met601Val. This variant was reported in the heterozygous state in an individual with childhood obesity (Table S1, Šket et al. 2022. PubMed ID: 35574020). This variant is reported in 0.029% of alleles in individuals of European (Finnish) descent in gnomAD. At this time, the clinical significance of this variant is uncertain due to the absence of conclusive functional and genetic evidence.